The following is an entry in ClinVar:

NM_001035.3(RYR2):c.11647-7T>C

Gene: RYR2 (ryanodine receptor 2; plus strand). Cytogenetic location: 1q43.
Variant type: single nucleotide variant.
Coding change: c.11647-7T>C on transcript NM_001035.3 (MANE Select); 7 bases into the intron before coding-DNA position 11647, T replaced by C.
Molecular consequence: intron variant.
Genome position (GRCh38, 1-based): chr1:237,773,513, T>C. VCF-style: chr1-237773513-T-C. GRCh37 (hg19) VCF-style: chr1-237936813-T-C.
Identifiers: ClinVar variation 772417 (VCV000772417.14), dbSNP rs771126125, ClinGen allele CA085022.

ClinVar aggregate classification (germline): Likely benign. Review status: criteria provided, multiple submitters, no conflicts (2 of 4 stars). 4 submissions from 4 submitters: Likely benign (4). Last evaluated 2024-10-30.

Conditions:
Catecholaminergic polymorphic ventricular tachycardia (CVPT). Also called: Catecholamine-induced polymorphic ventricular tachycardia. Identifiers: Orphanet 3286, MedGen C5574922, MONDO:0017990.
Catecholaminergic polymorphic ventricular tachycardia 1. Also called: VENTRICULAR TACHYCARDIA, STRESS-INDUCED POLYMORPHIC 1; VENTRICULAR TACHYCARDIA, CATECHOLAMINERGIC POLYMORPHIC, 1, WITH OR WITHOUT ATRIAL DYSFUNCTION AND/OR DILATED CARDIOMYOPATHY; RYR2-Related Catecholaminergic Polymorphic Ventricular Tachycardia. Identifiers: Orphanet 3286, MedGen C1631597, MONDO:0011484, OMIM 604772.
Cardiomyopathy (CMYO). Also called: Cardiomyopathies. Identifiers: Orphanet 167848, MedGen C0878544, MONDO:0004994, HP:0001638. Inheritance: Various modes of inheritance.

Allele frequency attached by ClinVar (database versions not stated): gnomAD below 0.00001 and 0.00002; gnomAD exomes 0.00003 and 0.00007; ExAC 0.00006.
gnomAD v4.1: 38 of 1,572,176 alleles (0.0024%); highest among the groups gnomAD compares: South Asian, 0.042%; 3 homozygotes.

Submissions (4):

Labcorp Genetics (formerly Invitae), Labcorp
Classification: Likely benign for Catecholaminergic polymorphic ventricular tachycardia 1. Last evaluated: 2024-10-30. Review status: criteria provided, single submitter. Criteria: Invitae Variant Classification Sherloc (09022015). Collection method: clinical testing. Allele origin: germline.

Blueprint Genetics
Classification: Likely benign. Last evaluated: 2024-04-29. Review status: criteria provided, single submitter. Criteria: ACMG Guidelines, 2015. Collection method: clinical testing. Allele origin: germline.

All of Us Research Program, National Institutes of Health
Classification: Likely benign for Catecholaminergic polymorphic ventricular tachycardia. Last evaluated: 2023-02-24. Review status: criteria provided, single submitter. Criteria: ACMG Guidelines, 2015. Collection method: clinical testing. Allele origin: germline. Inheritance: Autosomal dominant inheritance. Observed: 1 variant allele, 1 heterozygote.
Comment: This study involves interpretation of variants in research participants for the purpose of population health screening. Participant phenotype was not available at the time of variant classification. Additional details can be found in publication PMID: 35346344, PMCID: PMC8962531

Color Diagnostics, LLC DBA Color Health
Classification: Likely benign for Cardiomyopathy. Last evaluated: 2023-02-09. Review status: criteria provided, single submitter. Criteria: ACMG Guidelines, 2015. Collection method: clinical testing. Allele origin: germline.